The following is an entry in ClinVar:

ClinVar aggregate classification (germline): Uncertain significance (1 of 4 stars; one submission).

Conditions:
Ornithine aminotransferase deficiency (GACR). Also called: Ornithine ketoacid aminotransferase deficiency; Gyrate atrophy; Gyrate atrophy of choroid and retina; Girate atrophy of the retina; HYPERORNITHINEMIA WITH GYRATE ATROPHY OF CHOROID AND RETINA; OAT DEFICIENCY. Identifiers: Orphanet 414, MedGen C0018425, MONDO:0009796, OMIM 258870.

Allele frequency attached by ClinVar (database versions not stated): gnomAD exomes below 0.00001; ExAC 0.00001.

Submission:

Labcorp Genetics (formerly Invitae), Labcorp
Classification: Uncertain significance for Ornithine aminotransferase deficiency. Last evaluated: 2022-08-15. Review status: criteria provided, single submitter. Criteria: Invitae Variant Classification Sherloc (09022015). Collection method: clinical testing. Allele origin: germline.
Comment: This sequence change replaces proline, which is neutral and non-polar, with serine, which is neutral and polar, at codon 38 of the OAT protein (p.Pro38Ser). This variant is present in population databases (rs778434632, gnomAD 0.003%). This variant has not been reported in the literature in individuals affected with OAT-related conditions. Algorithms developed to predict the effect of missense changes on protein structure and function (SIFT, PolyPhen-2, Align-GVGD) all suggest that this variant is likely to be tolerated. In summary, the available evidence is currently insufficient to determine the role of this variant in disease. Therefore, it has been classified as a Variant of Uncertain Significance.

NM_000274.4(OAT):c.112C>T (p.Pro38Ser)

Gene: OAT (ornithine aminotransferase; minus strand). Cytogenetic location: 10q26.13.
Variant type: single nucleotide variant.
Coding change: c.112C>T on transcript NM_000274.4 (MANE Select); coding-DNA position 112, C replaced by T.
Protein change: p.Pro38Ser; replaces proline 38 with serine.
Molecular consequence: missense variant. On other transcripts: intron variant (2).
Genome position (GRCh38, 1-based): chr10:124,412,060, G>A on the plus strand (C>T on the coding strand, the complement: OAT is on the minus strand). VCF-style: chr10-124412060-G-A. GRCh37 (hg19) VCF-style: chr10-126100629-G-A.
Other names: c.112C>T, p.Pro38Ser (NM_001322965.2, NM_001322966.2, NM_001322967.2 and 4 more transcripts); c.-215-3095C>T (NM_001171814.2); c.-515-3095C>T (NM_001322974.2); short protein forms P38S.
Identifiers: ClinVar variation 2185411 (VCV002185411.1), dbSNP rs778434632, ClinGen allele CA5733609.